The following is an entry in ClinVar:

ClinVar aggregate classification (germline): Uncertain significance (1 of 4 stars; one submission).

gnomAD v4.1: 5 of 1,611,506 alleles (0.00031%); highest among the groups gnomAD compares: Non-Finnish European, 0.00042%; no homozygotes.

Submission:

Laboratory for Molecular Medicine, Mass General Brigham Personalized Medicine
Classification: Uncertain significance. Last evaluated: 2016-12-08. Review status: criteria provided, single submitter. Criteria: LMM Criteria. Collection method: clinical testing. Allele origin: germline. Observed: 1 variant allele.
Comment: The p.Gly277Arg variant in EYA4 has not been previously reported in individuals with hearing loss or in large population studies. A different missense variant at the same position (c.829G>A, Gly277Ser) has been previously reported by our l aboratory as benign; however, this information is not sufficient to rule out a p athogenic role for the p.Gly277Arg variant. Computational prediction tools and c onservation analyses do not provide strong support for or against an impact to t he protein. In summary, the clinical significance of the p.Gly277Arg variant is uncertain.

NM_004100.5(EYA4):c.829G>C (p.Gly277Arg)

Gene: EYA4 (EYA transcriptional coactivator and phosphatase 4; plus strand). Cytogenetic location: 6q23.2.
Variant type: single nucleotide variant.
Coding change: c.829G>C on transcript NM_004100.5 (MANE Select); coding-DNA position 829, G replaced by C.
Protein change: p.Gly277Arg; replaces glycine 277 with arginine.
Molecular consequence: missense variant.
Genome position (GRCh38, 1-based): chr6:133,468,590, G>C. VCF-style: chr6-133468590-G-C. GRCh37 (hg19) VCF-style: chr6-133789728-G-C.
Other names: c.667G>C, p.Gly223Arg (NM_001301012.2, NM_001370459.1); c.829G>C, p.Gly277Arg (NM_001301013.2, NM_172105.4); c.760G>C, p.Gly254Arg (NM_001370458.1, NM_172103.4); short protein forms G277R, G254R, G223R.
Identifiers: ClinVar variation 517182 (VCV000517182.4), dbSNP rs9493627, ClinGen allele CA365703330.